The following is an entry in ClinVar:

ClinVar aggregate classification (germline): Uncertain significance. Review status: criteria provided, multiple submitters, no conflicts (2 of 4 stars). 4 submissions from 4 submitters: Uncertain significance (4). Last evaluated 2025-05-02.

Conditions:
Bethlem myopathy 1A. Also called: Bethlem Muscular Dystrophy; Bethlem myopathy 1; MYOPATHY, BENIGN CONGENITAL, WITH CONTRACTURES. Identifiers: Orphanet 610, MedGen CN029274, MONDO:0024530, OMIM 158810.

Allele frequency attached by ClinVar (database versions not stated): gnomAD exomes below 0.00001; gnomAD 0.00001; TOPMed 0.00002.
gnomAD v4.1: 4 of 1,612,928 alleles (0.00025%); highest among the groups gnomAD compares: African/African-American, 0.004%; no homozygotes.

Submissions (4):

GeneDx
Classification: Uncertain significance. Last evaluated: 2025-05-02. Review status: criteria provided, single submitter. Criteria: GeneDx Variant Classification Process June 2021. Collection method: clinical testing. Allele origin: germline. Affected: yes.
Comment: Not observed at significant frequency in large population cohorts (gnomAD); In silico analysis suggests that this missense variant does not alter protein structure/function; Has not been previously published as pathogenic or benign to our knowledge

Labcorp Genetics (formerly Invitae), Labcorp
Classification: Uncertain significance for Bethlem myopathy 1A. Last evaluated: 2023-12-06. Review status: criteria provided, single submitter. Criteria: Invitae Variant Classification Sherloc (09022015). Collection method: clinical testing. Allele origin: germline.
Comment: This sequence change replaces valine, which is neutral and non-polar, with alanine, which is neutral and non-polar, at codon 2936 of the COL6A3 protein (p.Val2936Ala). This variant is not present in population databases (gnomAD no frequency). This variant has not been reported in the literature in individuals affected with COL6A3-related conditions. ClinVar contains an entry for this variant (Variation ID: 597643). Advanced modeling of protein sequence and biophysical properties (such as structural, functional, and spatial information, amino acid conservation, physicochemical variation, residue mobility, and thermodynamic stability) performed at Invitae indicates that this missense variant is not expected to disrupt COL6A3 protein function with a negative predictive value of 95%. In summary, the available evidence is currently insufficient to determine the role of this variant in disease. Therefore, it has been classified as a Variant of Uncertain Significance.

Revvity Omics, Revvity
Classification: Uncertain significance. Last evaluated: 2019-06-05. Review status: criteria provided, single submitter. Criteria: ACMG Guidelines, 2015. Collection method: clinical testing. Allele origin: germline.

Eurofins Ntd Llc (ga)
Classification: Uncertain significance. Last evaluated: 2018-06-21. Review status: criteria provided, single submitter. Criteria: EGL ClinVar v180209 classification definitions. Collection method: clinical testing. Allele origin: germline. Observed: 1 variant allele, 1 heterozygote.

NM_004369.4(COL6A3):c.8807T>C (p.Val2936Ala)

Gene: COL6A3 (collagen type VI alpha 3 chain; minus strand). Cytogenetic location: 2q37.3.
Variant type: single nucleotide variant.
Coding change: c.8807T>C on transcript NM_004369.4 (MANE Select); coding-DNA position 8807, T replaced by C.
Protein change: p.Val2936Ala; replaces valine 2936 with alanine.
Molecular consequence: missense variant.
Genome position (GRCh38, 1-based): chr2:237,336,293, A>G on the plus strand (T>C on the coding strand, the complement: COL6A3 is on the minus strand). VCF-style: chr2-237336293-A-G. GRCh37 (hg19) VCF-style: chr2-238244936-A-G.
Other names: c.6986T>C, p.Val2329Ala (NM_057166.5); c.8189T>C, p.Val2730Ala (NM_057167.4); short protein forms V2936A, V2329A, V2730A.
Identifiers: ClinVar variation 597643 (VCV000597643.18), dbSNP rs1218467207, ClinGen allele CA351191451.